The following is an entry in ClinVar:

NM_016592.5(GNAS):c.367A>G (p.Thr123Ala)

Genes: GNAS (GNAS complex locus; plus strand), GNAS-AS1 (GNAS antisense RNA 1; minus strand). Cytogenetic location: 20q13.32.
Variant type: single nucleotide variant.
Coding change: c.367A>G on transcript NM_016592.5 (MANE Plus Clinical); coding-DNA position 367, A replaced by G.
Protein change: p.Thr123Ala; replaces threonine 123 with alanine.
Molecular consequence: missense variant. On other transcripts: 5 prime UTR variant (1).
Genome position (GRCh38, 1-based): chr20:58,840,473, A>G. VCF-style: chr20-58840473-A-G. GRCh37 (hg19) VCF-style: chr20-57415528-A-G.
Other names: c.-371A>G (NM_001410912.1); short protein forms T123A.
Identifiers: ClinVar variation 430328 (VCV000430328.4), dbSNP rs1131691907, ClinGen allele CA409451638.
Genomic context (GRCh38, chr20:58,840,473, plus strand): 5'-TACGAGGAAGAGTTCGACTACGAGACCGAGAGCGAGACCGAGTCCGAAATCGAGTCCGAG[A>G]CCGACTTCGAGACCGAGCCTGAGACCGCCCCCACCACTGAGCCCGAGACCGAGCCTGAAG-3'
Protein context (NP_057676.1, residues 113-133): SETESEIESE[Thr123Ala]DFETEPETAP

ClinVar aggregate classification (germline): Uncertain significance (1 of 4 stars; one submission).

Allele frequency attached by ClinVar (database versions not stated): gnomAD exomes below 0.00001.
gnomAD v4.1: 1 of 1,613,436 alleles (0.000062%); highest among the groups gnomAD compares: South Asian, 0.0011%; no homozygotes.

Submission:

GeneDx
Classification: Uncertain significance. Last evaluated: 2017-05-24. Review status: criteria provided, single submitter. Criteria: GeneDx Variant Classification (06012015). Collection method: clinical testing. Allele origin: germline. Affected: yes.
Comment: The T123A variant in the GNAS gene has not been reported previously as a pathogenic variant, nor as a benign variant, to our knowledge. The T123A variant is not observed in large population cohorts (Lek et al., 2016; 1000 Genomes Consortium et al., 2015; Exome Variant Server). The T123A variant is a non-conservative amino acid substitution, which is likely to impact secondary protein structure as these residues differ in polarity, charge, size and/or other properties. However, this substitution occurs at a position that is not conserved, and in silico analysis is inconsistent in its predictions as to whether or not the variant is damaging to the protein structure/function. We interpret T123A as a variant of uncertain significance.